The following is an entry in ClinVar:

NM_173660.5(DOK7):c.264G>T (p.Met88Ile)

Gene: DOK7 (docking protein 7; plus strand). Cytogenetic location: 4p16.3.
Variant type: single nucleotide variant.
Coding change: c.264G>T on transcript NM_173660.5 (MANE Select); coding-DNA position 264, G replaced by T.
Protein change: p.Met88Ile; replaces methionine 88 with isoleucine.
Molecular consequence: missense variant. On other transcripts: intron variant (1).
Genome position (GRCh38, 1-based): chr4:3,473,569, G>T. VCF-style: chr4-3473569-G-T. GRCh37 (hg19) VCF-style: chr4-3475296-G-T.
Other names: c.264G>T, p.Met88Ile (NM_001164673.2, NM_001301071.2); c.100+10018G>T (NM_001363811.2); short protein forms M88I.
Identifiers: ClinVar variation 1375773 (VCV001375773.6), dbSNP rs1244768842, ClinGen allele CA356113572.

ClinVar aggregate classification (germline): Uncertain significance (1 of 4 stars; one submission).

Conditions:
Congenital myasthenic syndrome 10. Also called: Myasthenia, limb-girdle, familial. Identifiers: Orphanet 590, MedGen C1850792, MONDO:0009690, OMIM 254300.
Fetal akinesia deformation sequence 1 (FADS1). Also called: Fetal akinesia sequence; Pena-Shokeir syndrome type I. Identifiers: Orphanet 994, MedGen C1276035, MONDO:0100101, OMIM 208150, HP:0001989.

Submission:

Labcorp Genetics (formerly Invitae), Labcorp
Classification: Uncertain significance for Congenital myasthenic syndrome 10; Fetal akinesia deformation sequence 1. Last evaluated: 2021-08-17. Review status: criteria provided, single submitter. Criteria: Invitae Variant Classification Sherloc (09022015). Collection method: clinical testing. Allele origin: germline.
Comment: In summary, the available evidence is currently insufficient to determine the role of this variant in disease. Therefore, it has been classified as a Variant of Uncertain Significance. Algorithms developed to predict the effect of missense changes on protein structure and function (SIFT, PolyPhen-2, Align-GVGD) all suggest that this variant is likely to be tolerated. This variant has not been reported in the literature in individuals affected with DOK7-related conditions. This variant is not present in population databases (ExAC no frequency). This sequence change replaces methionine with isoleucine at codon 88 of the DOK7 protein (p.Met88Ile). The methionine residue is highly conserved and there is a small physicochemical difference between methionine and isoleucine.